The following is an entry in ClinVar:

NM_000075.4(CDK4):c.279T>G (p.Phe93Leu)

Gene: CDK4 (cyclin dependent kinase 4; minus strand). Cytogenetic location: 12q14.1.
Variant type: single nucleotide variant.
Coding change: c.279T>G on transcript NM_000075.4 (MANE Select); coding-DNA position 279, T replaced by G.
Protein change: p.Phe93Leu; replaces phenylalanine 93 with leucine.
Molecular consequence: missense variant.
Genome position (GRCh38, 1-based): chr12:57,751,282, A>C on the plus strand (T>G on the coding strand, the complement: CDK4 is on the minus strand). VCF-style: chr12-57751282-A-C. GRCh37 (hg19) VCF-style: chr12-58145065-A-C.
Other names: short protein forms F93L.
Identifiers: ClinVar variation 567361 (VCV000567361.8), dbSNP rs1478574297, ClinGen allele CA385548026.

ClinVar aggregate classification (germline): Uncertain significance (1 of 4 stars; one submission).

Conditions:
Familial melanoma. Also called: Hereditary melanoma; Hereditary cutaneous melanoma. Identifiers: Orphanet 618, MedGen C1512419, MONDO:0018961.

Submission:

Labcorp Genetics (formerly Invitae), Labcorp
Classification: Uncertain significance for Familial melanoma. Last evaluated: 2018-06-07. Review status: criteria provided, single submitter. Criteria: Invitae Variant Classification Sherloc (09022015). Collection method: clinical testing. Allele origin: germline.
Comment: In summary, the available evidence is currently insufficient to determine the role of this variant in disease. Therefore, it has been classified as a Variant of Uncertain Significance. Algorithms developed to predict the effect of missense changes on protein structure and function are either unavailable or do not agree on the potential impact of this missense change (SIFT: "Deleterious"; PolyPhen-2: "Possibly Damaging"; Align-GVGD: "Class C0"). This variant has not been reported in the literature in individuals with CDK4-related disease. This variant is not present in population databases (ExAC no frequency). This sequence change replaces phenylalanine with leucine at codon 93 of the CDK4 protein (p.Phe93Leu). The phenylalanine residue is highly conserved and there is a small physicochemical difference between phenylalanine and leucine.